The following is an entry in ClinVar:

NM_000094.4(COL7A1):c.4600-1G>A

Gene: COL7A1 (collagen type VII alpha 1 chain; minus strand). Cytogenetic location: 3p21.31.
Variant type: single nucleotide variant.
Coding change: c.4600-1G>A on transcript NM_000094.4 (MANE Select); the canonical splice acceptor site of the intron before coding-DNA position 4600, G replaced by A.
Molecular consequence: splice acceptor variant.
Genome position (GRCh38, 1-based): chr3:48,582,359, C>T on the plus strand (G>A on the coding strand, the complement: COL7A1 is on the minus strand). VCF-style: chr3-48582359-C-T. GRCh37 (hg19) VCF-style: chr3-48619792-C-T.
Identifiers: ClinVar variation 1347827 (VCV001347827.8), dbSNP rs2107717836, ClinGen allele CA352687700.
Genomic context (GRCh38, chr3:48,582,359, plus strand): 5'-GAGCGCCATCCTCCCGTCACTCACCACCACTGCAGGGTCCCCAGGGCGACCAGGCTCCCC[C>T]TGTGGAGAGAGGATAGGAGCAGGGACAGGTCAGGGAGTCACCTAGGAGCCCAAAATCCCA-3'

ClinVar aggregate classification (germline): Likely pathogenic (1 of 4 stars; one submission).

Allele frequency attached by ClinVar (database versions not stated): gnomAD exomes below 0.00001.
gnomAD v4.1: 1 of 1,614,052 alleles (0.000062%); no homozygotes.

Submission:

Labcorp Genetics (formerly Invitae), Labcorp
Classification: Likely pathogenic. Last evaluated: 2021-05-18. Review status: criteria provided, single submitter. Criteria: Invitae Variant Classification Sherloc (09022015). Collection method: clinical testing. Allele origin: germline.
Comment: In summary, the currently available evidence indicates that the variant is pathogenic, but additional data are needed to prove that conclusively. Therefore, this variant has been classified as Likely Pathogenic. Algorithms developed to predict the effect of sequence changes on RNA splicing suggest that this variant may disrupt the consensus splice site, but this prediction has not been confirmed by published transcriptional studies. This variant has not been reported in the literature in individuals with COL7A1-related conditions. This variant is not present in population databases (ExAC no frequency). This sequence change affects an acceptor splice site in intron 45 of the COL7A1 gene. Variants that disrupt the donor or acceptor splice site typically lead to a loss of protein function (PMID: 16199547), and loss-of-function variants in COL7A1 are known to be disease-causing for autosomal recessive dystrophic epidermolysis bullosa (PMID: 16971478). However, certain variants affecting donor or acceptor splice sites in the triple helical domain of COL7A1 are expected to result in in-frame exon skipping and have been reported to cause autosomal dominant dystrophic epidermolysis bullosa (PMID: 31670143)

Literature cited by the submitters: PubMed 16199547; PubMed 16971478; PubMed 31670143.